The following is an entry in ClinVar:

ClinVar aggregate classification (germline): Uncertain significance (1 of 4 stars; one submission).

Submission:

GeneDx
Classification: Uncertain significance. Last evaluated: 2017-01-23. Review status: criteria provided, single submitter. Criteria: GeneDx Variant Classification (06012015). Collection method: clinical testing. Allele origin: germline. Affected: yes.
Comment: The c.1285delC variant in the UMOD gene has not been reported previously as a pathogenic variant nor as a benign variant, to our knowledge. The c.1285delC variant causes a frameshift starting with codon Leucine 429, changes this amino acid to a Trypotophan residue, and creates a premature Stop codon at position 3 of the new reading frame, denoted p.Leu429TrpfsX3. This variant is predicted to cause loss of normal protein function either through protein truncation or nonsense-mediated mRNA decay. The c.1285delC variant was not observed in approximately 6,500 individuals of European and African American ancestry in the NHLBI Exome Sequencing Project, indicating it is not a common benign variant in these populations. We interpret c.1285delC as a variant of uncertain significance.

NM_003361.4(UMOD):c.1285del (p.Leu429fs)

Gene: UMOD (uromodulin; minus strand). Cytogenetic location: 16p12.3.
Variant type: Deletion.
Coding change: c.1285del on transcript NM_003361.4 (MANE Select); coding-DNA position 1285, one base deleted (C; older notation c.1285delC).
Protein change: p.Leu429fs; shifts the reading frame from leucine 429.
Molecular consequence: frameshift variant. On other transcripts: non-coding transcript variant (1).
Genome position (GRCh38, 1-based): chr16:20,344,070, G deleted on the plus strand (C on the coding strand, the reverse complement: UMOD is on the minus strand); the first of 5 consecutive G bases (chr16:20,344,070-20,344,074); deleting any one gives the same sequence. VCF-style (leftmost placement, unchanged base first): chr16-20344069-AG-A. GRCh37 (hg19) VCF-style: chr16-20355391-AG-A.
Other names: c.1285del, p.Leu429fs (NM_001008389.3, NM_001378232.1, NM_001378233.1 and 3 more transcripts); c.1384del, p.Leu462fs (NM_001278614.2); short protein forms L462fs, L429fs.
Identifiers: ClinVar variation 423218 (VCV000423218.2), dbSNP rs1064796302, ClinGen allele CA16620079.